The following is an entry in ClinVar:

NM_018367.7(ACER3):c.402A>G (p.Thr134=)

Gene: ACER3 (alkaline ceramidase 3; plus strand). Cytogenetic location: 11q13.5.
Variant type: single nucleotide variant.
Coding change: c.402A>G on transcript NM_018367.7 (MANE Select); coding-DNA position 402, A replaced by G.
Protein change: p.Thr134=; no amino-acid change (threonine 134 retained).
Molecular consequence: synonymous variant.
Genome position (GRCh38, 1-based): chr11:76,985,724, A>G. VCF-style: chr11-76985724-A-G. GRCh37 (hg19) VCF-style: chr11-76696768-A-G.
Other names: c.291A>G, p.Thr97= (NM_001300953.2); c.117A>G, p.Thr39= (NM_001300954.2, NM_001300955.2).
Identifiers: ClinVar variation 1420231 (VCV001420231.8), dbSNP rs145982324, ClinGen allele CA6195661.

ClinVar aggregate classification (germline): Uncertain significance (1 of 4 stars; one submission).

Allele frequency attached by ClinVar (database versions not stated): gnomAD 0.00003 and 0.00004; gnomAD exomes 0.00003 and 0.00004; ExAC 0.00005; TOPMed 0.00005; ESP Exome Variant Server 0.00015.
gnomAD v4.1: 42 of 1,499,738 alleles (0.0028%); highest among the groups gnomAD compares: Middle Eastern, 0.053%; no homozygotes.

Submission:

Labcorp Genetics (formerly Invitae), Labcorp
Classification: Uncertain significance. Last evaluated: 2025-02-10. Review status: criteria provided, single submitter. Criteria: Invitae Variant Classification Sherloc (09022015). Collection method: clinical testing. Allele origin: germline.
Comment: This sequence change affects codon 134 of the ACER3 mRNA. It is a 'silent' change, meaning that it does not change the encoded amino acid sequence of the ACER3 protein. It affects a nucleotide within the consensus splice site. This variant is present in population databases (rs145982324, gnomAD 0.01%). This variant has not been reported in the literature in individuals affected with ACER3-related conditions. ClinVar contains an entry for this variant (Variation ID: 1420231). Algorithms developed to predict the effect of sequence changes on RNA splicing suggest that this variant is not likely to affect RNA splicing. In summary, the available evidence is currently insufficient to determine the role of this variant in disease. Therefore, it has been classified as a Variant of Uncertain Significance.